The following is an entry in ClinVar:

ClinVar aggregate classification (germline): Pathogenic/Likely pathogenic. Review status: criteria provided, multiple submitters, no conflicts (2 of 4 stars). 24 submissions from 24 submitters: Pathogenic (20); Likely pathogenic (1). 3 of the submissions do not count toward it. Last evaluated 2026-02-24.

Conditions:
TGM5-related disorder. Also called: TGM5-related condition.
Inborn genetic diseases. Identifiers: MedGen C0950123, MeSH D030342.
Acral peeling skin syndrome. Also called: Peeling skin syndrome 2. Identifiers: Orphanet 263534, MedGen C1853354, MONDO:0012345, OMIM 609796.

Allele frequency attached by ClinVar (database versions not stated): 1000 Genomes Project 30x 0.00109; 1000 Genomes Project 0.00140; TOPMed 0.00202; gnomAD exomes 0.00235 and 0.00288; gnomAD 0.00246 and 0.00252; ExAC 0.00260.
gnomAD v4.1: 4,550 of 1,614,140 alleles (0.28%); highest among the groups gnomAD compares: Non-Finnish European, 0.33%; 14 homozygotes.

Submissions 1 to 12 of 24:

Institute of Human Genetics, University of Leipzig Medical Center
Classification: Pathogenic for Acral peeling skin syndrome. Last evaluated: 2026-02-24. Review status: criteria provided, single submitter. Criteria: ACMG Guidelines, 2015. Collection method: clinical testing. Allele origin: unknown. Inheritance: Autosomal recessive inheritance. Affected: yes.
Comment: Criteria applied: PM3_VSTR,PS3_MOD,PP3

OLLIN Analises Genomicas, OLLIN
Classification: Pathogenic for Acral peeling skin syndrome. Last evaluated: 2026-02-13. Review status: criteria provided, single submitter. Criteria: ACMG Guidelines 2015 PMID 25741868. Collection method: clinical testing. Allele origin: germline. Observed: 1 variant allele.
Comment: PS3_P, PS4_M, PM3_VS, PP3_M

CeGaT Center for Human Genetics Tuebingen
Classification: Pathogenic. Last evaluated: 2026-01-01. Review status: criteria provided, single submitter. Criteria: CeGaT Center For Human Genetics Tuebingen Variant Classification Criteria Version 2. Collection method: clinical testing. Allele origin: germline. Affected: yes. Observed: 7 variant alleles.
Comment: TGM5: PM3:Very Strong, PM2:Supporting, PP4, PS3:Supporting

Dasa
Classification: Pathogenic. Last evaluated: 2025-10-04. Review status: criteria provided, single submitter. Criteria: DASA Assertion Criteria. Collection method: clinical testing. Allele origin: germline.
Comment: NM_201631.4(TGM5):c.337G>T (p.Gly113Cys) is a missense variant that results in the substitution of glycine with cysteine. Segregation evidence has been reported in affected families. This variant has been observed in affected individuals with related phenotype in a genotype context consistent with recessive disease (PMID: 16380904; PMID: 20164844; PMID: 22622422; PMID: 24019772; PMID: 25644735). Functional evidence supports a deleterious effect on the gene or gene product (PMID: 16380904; PMID: 20164844; PMID: 22622422; PMID: 24019772; PMID: 25644735). This variant has been recurrently observed in individuals with related phenotype (PMID: 16380904; PMID: 20164844; PMID: 22622422; PMID: 24019772; PMID: 25644735). Multiple computational predictions support a deleterious effect on the gene or gene product. The variant is present at low frequency in population datasets. Based on the available data, this variant is classified as pathogenic.

PreventionGenetics, part of Exact Sciences
Classification: Pathogenic for TGM5-related condition. Last evaluated: 2025-08-15. Review status: criteria provided, single submitter. Criteria: ACMG Guidelines, 2015. Collection method: clinical testing. Allele origin: germline.
Comment: The TGM5 c.337G>T variant is predicted to result in the amino acid substitution p.Gly113Cys. This variant, in either the homozygous or compound heterozygous states with a second pathogenic variant, has been reported to be causative for acral peeling skin syndrome in multiple unrelated individuals (Cassidy et al. 2005. PubMed ID: 16380904; Kiritsi et al. 2010. PubMed ID: 20164844; Pigors et al. 2012. PubMed ID: 22622422; Kavaklieva et al. 2013. PubMed ID: 24019772; van der Velden et al 2015. PubMed ID: 25644735; Kopečková et al. 2016. PubMed ID: 26707537; Has et al. 2018. PubMed ID: 29242947). This variant is reported in 0.36% of alleles in individuals of European (Non-Finnish) descent in gnomAD. This variant is interpreted as pathogenic.

Variantyx, Inc.
Classification: Pathogenic for Acral peeling skin syndrome. Last evaluated: 2025-05-13. Review status: criteria provided, single submitter. Criteria: Variantyx Assertion Criteria 2022. Collection method: clinical testing. Allele origin: germline. Inheritance: Autosomal recessive inheritance. Affected: no.
Comment: This is a nonsynonymous variant in the TGM5 gene (OMIM: 603805). Pathogenic variants in this gene have been associated with autosomal recessive peeling skin syndrome 2. This variant has been identified in the homozygous or compound heterozygous state in at least 7 individuals reported in the published literature (PMID: 20164844, 22622422, 24019772) (PM3_Strong)}. Functional studies have shown that this variant alters TGM5 protein function (PMID: 25644735, 16380904, 24628291) (PS3) and multiple computational algorithms predict a deleterious effect for this variant (REVEL score: 0.9) (PP3). This variant has a 0.3343% maximum allele frequency in non-founder control populations. Based on the current evidence, this variant is classified as pathogenic for autosomal recessive peeling skin syndrome 2.

First Genomix Gene Laboratory, Genetic Diagnostics Department
Classification: Likely pathogenic for Acral peeling skin syndrome. Last evaluated: 2025-03-14. Review status: criteria provided, single submitter. Criteria: ACMG Guidelines, 2015. Collection method: clinical testing. Allele origin: germline. Inheritance: Autosomal recessive inheritance. Affected: no. Observed: 1 variant allele.

Laboratory of Genetics, Children's Clinical University Hospital Latvia
Classification: Pathogenic. Last evaluated: 2025-02-16. Review status: criteria provided, single submitter. Criteria: ACMG Guidelines, 2015. Collection method: clinical testing. Allele origin: germline. Affected: yes.

Blueprint Genetics
Classification: Pathogenic for TGM5-related disorders. Last evaluated: 2024-11-25. Review status: criteria provided, single submitter. Criteria: ACMG Guidelines, 2015. Collection method: clinical testing. Allele origin: germline. Affected: yes. Observed: 5 variant alleles.

Molecular Genetics, Royal Melbourne Hospital
Classification: Pathogenic for Acral peeling skin syndrome. Last evaluated: 2024-09-08. Review status: criteria provided, single submitter. Criteria: ACMG Guidelines, 2015. Collection method: clinical testing. Allele origin: germline. Inheritance: Autosomal recessive inheritance. Affected: yes.
Comment: This sequence change in TGM5 is predicted to replace glycine with cysteine at codon 113, p.(Gly113Cys). The glycine residue is highly conserved (100 vertebrates, Multiz Alignments), and is not located in the beta-sandwich domain (PMID: 24628291). There is a large physicochemical difference between glycine and cysteine. The highest population minor allele frequency in the population database gnomAD v4.1 is 0.3% (3,945/1,180,028 alleles, 10 homozygotes) in the European (non-Finnish) population, which is higher than expected for a recessive condition. This variant is commonly reported in the European population in individuals with TGM5-related peeling skin syndrome and segregates with disease in at least one family (PMID: 16380904). This variant has been detected as homozygous and compound heterozygous in multiple individuals with peeling skin syndrome, with at least one pathogenic variant confirmed on the second allele (PMID: 24628291). A functional study with limited validation assaying TG5 enzyme activity is supportive of a damaging effect on protein function (PMID: 16380904). Computational evidence predicts a deleterious effect for the missense substitution (REVEL = 0.90) and no impact on splicing (SpliceAI) for the nucleotide change. Based on the classification scheme RMH Modified ACMG/AMP Guidelines v1.7.0, this variant is classified as PATHOGENIC. Following criteria are met: PM3_VeryStrong, PP1_Strong, PP3, PS3_Supporting, BS1.

Fulgent Genetics
Classification: Pathogenic for Acral peeling skin syndrome. Last evaluated: 2024-01-19. Review status: criteria provided, single submitter. Criteria: ACMG Guidelines, 2015. Collection method: clinical testing. Allele origin: germline.

Department of Pathology and Laboratory Medicine, Sinai Health System
Classification: Pathogenic for Acral peeling skin syndrome. Last evaluated: 2023-09-28. Review status: criteria provided, single submitter. Criteria: ACMG Guidelines, 2015. Collection method: research. Allele origin: germline.

NM_201631.4(TGM5):c.337G>T (p.Gly113Cys)

Gene: TGM5 (transglutaminase 5; minus strand). Cytogenetic location: 15q15.2.
Variant type: single nucleotide variant.
Coding change: c.337G>T on transcript NM_201631.4 (MANE Select); coding-DNA position 337, G replaced by T.
Protein change: p.Gly113Cys; replaces glycine 113 with cysteine.
Molecular consequence: missense variant. On other transcripts: intron variant (1).
Genome position (GRCh38, 1-based): chr15:43,260,151, C>A on the plus strand (G>T on the coding strand, the complement: TGM5 is on the minus strand). VCF-style: chr15-43260151-C-A. GRCh37 (hg19) VCF-style: chr15-43552349-C-A.
Other names: c.190+249G>T (NM_004245.4); short protein forms G113C.
Identifiers: ClinVar variation 6039 (VCV000006039.76), dbSNP rs112292549, ClinGen allele CA117921.
Genomic context (GRCh38, chr15:43,260,151, plus strand): 5'-GCTGGTAGGCCGTCACAGACCCCTGGAAGGAGTCGATGTGGATTTTCAAGAGGTACCGAC[C>A]CACGGCCGCCGTGGGAGGAGCGCACAAGCTCACCTCTGTGGAGGTGGCCCCATTGGTCTC-3'
Protein context (NP_963925.2, residues 103-123): SLCAPPTAAV[Gly113Cys]RYLLKIHIDS